The following is an entry in ClinVar:

NM_001161352.2(KCNMA1):c.2556A>G (p.Ser852=)

Genes: KCNMA1-AS1 (KCNMA1 antisense RNA 1; plus strand), KCNMA1 (potassium calcium-activated channel subfamily M alpha 1; minus strand). Cytogenetic location: 10q22.3.
Variant type: single nucleotide variant.
Coding change: c.2556A>G on transcript NM_001161352.2 (MANE Select); coding-DNA position 2556, A replaced by G.
Protein change: p.Ser852=; no amino-acid change (serine 852 retained).
Molecular consequence: synonymous variant.
Genome position (GRCh38, 1-based): chr10:76,949,295, T>C on the plus strand (A>G on the coding strand, the complement: KCNMA1 is on the minus strand). VCF-style: chr10-76949295-T-C. GRCh37 (hg19) VCF-style: chr10-78709053-T-C.
Other names: c.2382A>G (NM_002247.3); c.2394A>G, p.Ser798= (NM_001014797.3, NM_001322835.2, NM_001322837.2); c.2505A>G, p.Ser835= (NM_001161353.2); c.2232A>G, p.Ser744= (NM_001271518.2); c.2391A>G, p.Ser797= (NM_001271519.2, NM_001322829.2, NM_001322836.2); c.2403A>G, p.Ser801= (NM_001322830.2); c.2382A>G, p.Ser794= (NM_001322832.2, NM_001410940.1, NM_002247.4); c.1929A>G, p.Ser643= (NM_001322838.2).
Identifiers: ClinVar variation 2140665 (VCV002140665.7), dbSNP rs567022940, ClinGen allele CA210083385.

ClinVar aggregate classification (germline): Likely benign. Review status: criteria provided, multiple submitters, no conflicts (2 of 4 stars). 3 submissions from 3 submitters: Likely benign (2). 1 of the submissions does not count toward it. Last evaluated 2024-05-06.

Conditions:
KCNMA1-related disorder. Also called: KCNMA1-related condition; KCNMA1-related disorders.
Generalized epilepsy-paroxysmal dyskinesia syndrome (PNKD3). Also called: Generalized epilepsy and paroxysmal dyskinesia; Paroxysmal nonkinesigenic dyskinesia, 3, with or without generalized epilepsy. Identifiers: Orphanet 79137, MedGen C5574945, MONDO:0012276, OMIM 609446.

Allele frequency attached by ClinVar (database versions not stated): gnomAD exomes below 0.00001; TOPMed below 0.00001.
gnomAD v4.1: 7 of 1,614,158 alleles (0.00043%); highest among the groups gnomAD compares: East Asian, 0.0022%; no homozygotes.

Submissions (3):

Blueprint Genetics
Classification: Likely benign. Last evaluated: 2024-05-06. Review status: criteria provided, single submitter. Criteria: ACMG Guidelines, 2015. Collection method: clinical testing. Allele origin: germline.

Labcorp Genetics (formerly Invitae), Labcorp
Classification: Likely benign for Generalized epilepsy-paroxysmal dyskinesia syndrome. Last evaluated: 2022-08-08. Review status: criteria provided, single submitter. Criteria: Invitae Variant Classification Sherloc (09022015). Collection method: clinical testing. Allele origin: germline.

PreventionGenetics, part of Exact Sciences
Classification: Likely benign for KCNMA1-related condition. Last evaluated: 2021-06-03. Review status: no assertion criteria provided. Collection method: clinical testing. Allele origin: germline. Not counted in ClinVar's aggregate classification.
Comment: This variant is classified as likely benign based on ACMG/AMP sequence variant interpretation guidelines (Richards et al. 2015 PMID: 25741868, with internal and published modifications).